The following is an entry in ClinVar:

NM_002471.4(MYH6):c.5791G>A (p.Ala1931Thr)

Gene: MYH6 (myosin heavy chain 6; minus strand). Cytogenetic location: 14q11.2.
Variant type: single nucleotide variant.
Coding change: c.5791G>A on transcript NM_002471.4 (MANE Select); coding-DNA position 5791, G replaced by A.
Protein change: p.Ala1931Thr; replaces alanine 1931 with threonine.
Molecular consequence: missense variant.
Genome position (GRCh38, 1-based): chr14:23,382,433, C>T on the plus strand (G>A on the coding strand, the complement: MYH6 is on the minus strand). VCF-style: chr14-23382433-C-T. GRCh37 (hg19) VCF-style: chr14-23851642-C-T.
Other names: short protein forms A1931T.
Identifiers: ClinVar variation 2624864 (VCV002624864.2), dbSNP rs563924147, ClinGen allele CA257775179.

ClinVar aggregate classification (germline): Uncertain significance (1 of 4 stars; one submission).

Conditions:
Cardiovascular phenotype. Identifiers: MedGen CN230736.

Allele frequency attached by ClinVar (database versions not stated): gnomAD exomes below 0.00001; gnomAD 0.00001; TOPMed 0.00002.
gnomAD v4.1: 9 of 1,614,004 alleles (0.00056%); highest among the groups gnomAD compares: Non-Finnish European, 0.00076%; no homozygotes.

Submission:

Ambry Genetics
Classification: Uncertain significance for Cardiovascular phenotype. Last evaluated: 2023-07-10. Review status: criteria provided, single submitter. Criteria: Ambry Variant Classification Scheme 2023. Collection method: clinical testing. Allele origin: germline.
Comment: The p.A1931T variant (also known as c.5791G>A), located in coding exon 36 of the MYH6 gene, results from a G to A substitution at nucleotide position 5791. The alanine at codon 1931 is replaced by threonine, an amino acid with similar properties. This amino acid position is conserved. In addition, this alteration is predicted to be tolerated by in silico analysis. Since supporting evidence is limited at this time, the clinical significance of this alteration remains unclear.